The following is an entry in ClinVar:

NM_003467.3(CXCR4):c.282G>A (p.Trp94Ter)

Gene: CXCR4 (C-X-C motif chemokine receptor 4; minus strand). Cytogenetic location: 2q22.1.
Variant type: single nucleotide variant.
Coding change: c.282G>A on transcript NM_003467.3 (MANE Select); coding-DNA position 282, G replaced by A.
Protein change: p.Trp94Ter; replaces tryptophan 94 with a stop codon.
Molecular consequence: nonsense.
Genome position (GRCh38, 1-based): chr2:136,115,646, C>T on the plus strand (G>A on the coding strand, the complement: CXCR4 is on the minus strand). VCF-style: chr2-136115646-C-T. GRCh37 (hg19) VCF-style: chr2-136873216-C-T.
Other names: c.294G>A, p.Trp98Ter (NM_001008540.2); c.495G>A, p.Trp165Ter (NM_001348056.2); c.381G>A, p.Trp127Ter (NM_001348059.2); c.237G>A, p.Trp79Ter (NM_001348060.2); short protein forms W165*, W127*, W94*, W98*, W79*.
Identifiers: ClinVar variation 1394984 (VCV001394984.6), dbSNP rs2104917984, ClinGen allele CA348659731.

ClinVar aggregate classification (germline): Uncertain significance (1 of 4 stars; one submission).

Conditions:
Warts, hypogammaglobulinemia, infections, and myelokathexis. Also called: WHIM syndrome. Identifiers: MedGen C0472817, MONDO:0023880.

Submission:

Labcorp Genetics (formerly Invitae), Labcorp
Classification: Uncertain significance for Warts, hypogammaglobulinemia, infections, and myelokathexis. Last evaluated: 2022-03-07. Review status: criteria provided, single submitter. Criteria: Invitae Variant Classification Sherloc (09022015). Collection method: clinical testing. Allele origin: germline.
Comment: This sequence change creates a premature translational stop signal (p.Trp94*) in the CXCR4 gene. While this is not anticipated to result in nonsense mediated decay, it is expected to disrupt the last 259 amino acid(s) of the CXCR4 protein. In summary, the available evidence is currently insufficient to determine the role of this variant in disease. Therefore, it has been classified as a Variant of Uncertain Significance. Experimental studies and prediction algorithms are not available or were not evaluated, and the functional significance of this variant is currently unknown. This variant has not been reported in the literature in individuals affected with CXCR4-related conditions. This variant is not present in population databases (gnomAD no frequency).